The following is an entry in ClinVar:

ClinVar aggregate classification (germline): Pathogenic (1 of 4 stars; one submission).

Conditions:
Familial cancer of breast. Also called: hereditary breast carcinoma; BREAST CANCER, FAMILIAL; Hereditary breast cancer. Identifiers: Orphanet 227535, MedGen C0346153, MONDO:0016419, OMIM 114480. Disease mechanism: loss of function.

Submission:

Myriad Genetics, Inc.
Classification: Pathogenic for Familial cancer of breast. Last evaluated: 2024-01-30. Review status: criteria provided, single submitter. Criteria: Myriad Autosomal Dominant, Autosomal Recessive and X-Linked Classification Criteria (2023). Collection method: clinical testing. Allele origin: unknown.
Comment: This variant is considered pathogenic. This variant creates a frameshift predicted to result in premature protein truncation.

NM_000051.4(ATM):c.7152_7159del (p.Met2384fs)

Genes: ATM (ATM serine/threonine kinase; plus strand), C11orf65 (chromosome 11 open reading frame 65; minus strand). Cytogenetic location: 11q22.3.
Variant type: Deletion.
Coding change: c.7152_7159del on transcript NM_000051.4 (MANE Select); coding-DNA positions 7152 to 7159, 8 bases deleted (GAAGGCAT; older notation c.7152_7159delGAAGGCAT).
Protein change: p.Met2384fs; shifts the reading frame from methionine 2384.
Molecular consequence: frameshift variant. On other transcripts: intron variant (2).
Genome position (GRCh38, 1-based): chr11:108,329,083-108,329,090, GAAGGCAT deleted; deleting any 8 consecutive bases within chr11:108,329,081-108,329,090 gives the same sequence; the c. name uses the placement nearest the transcript's 3' end. VCF-style (leftmost placement, unchanged base first): chr11-108329080-AATGAAGGC-A. GRCh37 (hg19) VCF-style: chr11-108199807-AATGAAGGC-A.
Other names: c.7152_7159del, p.Met2384fs (NM_001351834.2); c.641-20017_641-20010del (NM_001330368.2); c.*38+6132_*38+6139del (NM_001351110.2); short protein forms M2384fs.
Identifiers: ClinVar variation 3148090 (VCV003148090.1), dbSNP rs2547247794, ClinGen allele CA2825001946.